The following is an entry in ClinVar:

NM_000512.5(GALNS):c.1345G>A (p.Gly449Arg)

Gene: GALNS (galactosamine (N-acetyl)-6-sulfatase; minus strand). Cytogenetic location: 16q24.3.
Variant type: single nucleotide variant.
Coding change: c.1345G>A on transcript NM_000512.5 (MANE Select); coding-DNA position 1345, G replaced by A.
Protein change: p.Gly449Arg; replaces glycine 449 with arginine.
Molecular consequence: missense variant.
Genome position (GRCh38, 1-based): chr16:88,822,608, C>T on the plus strand (G>A on the coding strand, the complement: GALNS is on the minus strand). VCF-style: chr16-88822608-C-T. GRCh37 (hg19) VCF-style: chr16-88889016-C-T.
Other names: c.790G>A, p.Gly264Arg (NM_001323543.2); c.1363G>A, p.Gly455Arg (NM_001323544.2); short protein forms G455R, G264R, G449R.
Identifiers: ClinVar variation 1030833 (VCV001030833.1), dbSNP rs1910352262, ClinGen allele CA397095984.
Genomic context (GRCh38, chr16:88,822,608, plus strand): 5'-TGGCACTGCCTCAGCAGCCAGGAGGCCCTGCACCGACTCACCTGAGGGGGAACCTCTCCC[C>T]TGGGTCCCGTCCCAGGTGGAAGATCAGGGGCAGCTTCGTGTGGTCTTCCAGATTGTGAGT-3'
Protein context (NP_000503.1, residues 439-459): PLIFHLGRDP[Gly449Arg]ERFPLSFASA

ClinVar aggregate classification (germline): Uncertain significance (1 of 4 stars; one submission).

Conditions:
Mucopolysaccharidosis, MPS-IV-A (MPS4A). Also called: Mucopolysaccharidosis type IV A; Mucopolysaccharidosis Type IVA; Morquio syndrome A, mild; MORQUIO SYNDROME A; MPS IVA; mucopolysaccharidosis type 4A. Identifiers: Orphanet 309297, Orphanet 582, MedGen C0086651, MONDO:0009659, OMIM 253000.

Allele frequency attached by ClinVar (database versions not stated): gnomAD exomes below 0.00001.
gnomAD v4.1: 1 of 1,612,768 alleles (0.000062%); highest among the groups gnomAD compares: Middle Eastern, 0.016%; no homozygotes.

Submission:

Baylor Genetics
Classification: Uncertain significance for Mucopolysaccharidosis, MPS-IV-A. Last evaluated: 2019-12-12. Review status: criteria provided, single submitter. Criteria: ACMG Guidelines, 2015. Collection method: clinical testing. Allele origin: unknown. Affected: yes.
Comment: This variant was determined to be of uncertain significance according to ACMG Guidelines, 2015 [PMID:25741868].